The following is an entry in ClinVar:

ClinVar aggregate classification (germline): Uncertain significance (1 of 4 stars; one submission).

Conditions:
Ataxia-telangiectasia syndrome (AT). Also called: Ataxia-telangiectasia; LOUIS-BAR SYNDROME; Ataxia-telangiectasia, complementation group D; AT, COMPLEMENTATION GROUP C; ATAXIA-TELANGIECTASIA, COMPLEMENTATION GROUP A; ATAXIA-TELANGIECTASIA, FRESNO VARIANT. Identifiers: Orphanet 100, MedGen C0004135, MONDO:0008840, OMIM 208900.

gnomAD v4.1: 1 of 1,613,572 alleles (0.000062%); highest among the groups gnomAD compares: Non-Finnish European, 0.000085%; no homozygotes.

Submission:

Labcorp Genetics (formerly Invitae), Labcorp
Classification: Uncertain significance for Ataxia-telangiectasia syndrome. Last evaluated: 2021-12-29. Review status: criteria provided, single submitter. Criteria: Invitae Variant Classification Sherloc (09022015). Collection method: clinical testing. Allele origin: germline.
Comment: In summary, the available evidence is currently insufficient to determine the role of this variant in disease. Therefore, it has been classified as a Variant of Uncertain Significance. Variants that disrupt the consensus splice site are a relatively common cause of aberrant splicing (PMID: 17576681, 9536098). Algorithms developed to predict the effect of sequence changes on RNA splicing suggest that this variant is not likely to affect RNA splicing. This variant has not been reported in the literature in individuals affected with ATM-related conditions. This variant is not present in population databases (gnomAD no frequency). This sequence change falls in intron 52 of the ATM gene. It does not directly change the encoded amino acid sequence of the ATM protein. It affects a nucleotide within the consensus splice site.

Literature cited by the submitters: PubMed 17576681; PubMed 9536098.

NM_000051.4(ATM):c.7788+4T>C

Genes: ATM (ATM serine/threonine kinase; plus strand), C11orf65 (chromosome 11 open reading frame 65; minus strand). Cytogenetic location: 11q22.3.
Variant type: single nucleotide variant.
Coding change: c.7788+4T>C on transcript NM_000051.4 (MANE Select); 4 bases into the intron after coding-DNA position 7788, T replaced by C.
Molecular consequence: intron variant.
Genome position (GRCh38, 1-based): chr11:108,332,041, T>C. VCF-style: chr11-108332041-T-C. GRCh37 (hg19) VCF-style: chr11-108202768-T-C.
Other names: c.7788+4T>C (NM_001351834.2); c.641-22970A>G (NM_001330368.2); c.*38+3179A>G (NM_001351110.2).
Identifiers: ClinVar variation 1409452 (VCV001409452.6), dbSNP rs2136529910, ClinGen allele CA2573146775.
Genomic context (GRCh38, chr11:108,332,041, plus strand): 5'-GCCAGAAGAAGCAGAATAACTAAAAATGTGCCTAAACAAAGCTCTCAGCTTGATGAGGTA[T>C]TTGGATTAAACATACGTACCTTTTAGAAGTGTGATATTCAGTCTTTCCTAGAATATTTCT-3'